The following is an entry in ClinVar:

ClinVar aggregate classification (germline): Benign. Review status: criteria provided, multiple submitters, no conflicts (2 of 4 stars). 4 submissions from 4 submitters: Benign (4). Last evaluated 2026-02-04.

Conditions:
Vici syndrome (VICIS). Identifiers: Orphanet 1493, MedGen C1855772, MONDO:0009452, OMIM 242840.

Submissions (4):

Labcorp Genetics (formerly Invitae), Labcorp
Classification: Benign for Vici syndrome. Last evaluated: 2026-02-04. Review status: criteria provided, single submitter. Criteria: Invitae Variant Classification Sherloc (09022015). Collection method: clinical testing. Allele origin: germline.

Blueprint Genetics
Classification: Benign. Last evaluated: 2024-11-28. Review status: criteria provided, single submitter. Criteria: ACMG Guidelines, 2015. Collection method: clinical testing. Allele origin: germline.

Unidad de Genómica Garrahan, Hospital de Pediatría Garrahan
Classification: Benign. Last evaluated: 2024-01-24. Review status: criteria provided, single submitter. Criteria: ACMG Guidelines, 2015. Collection method: clinical testing. Allele origin: germline. Affected: no. Observed: 95 variant alleles.
Comment: This variant is classified as Benign based on local population frequency. This variant was detected in 100% of patients studied by a panel of primary immunodeficiencies. Number of patients: 95. Only high quality variants are reported.

Genome-Nilou Lab
Classification: Benign for Vici syndrome. Last evaluated: 2021-07-30. Review status: criteria provided, single submitter. Criteria: ACMG Guidelines, 2015. Collection method: clinical testing. Allele origin: germline. Affected: no.

NM_020964.3(EPG5):c.63+15del

Gene: EPG5 (ectopic P-granules 5 autophagy tethering factor; minus strand). Cytogenetic location: 18q21.1.
Variant type: Deletion.
Coding change: c.63+15del on transcript NM_020964.3 (MANE Select); 15 bases into the intron after coding-DNA position 63, one base deleted (C; older notation c.63+15delC).
Molecular consequence: intron variant.
Genome position (GRCh38, 1-based): chr18:45,967,162, G deleted on the plus strand (C on the coding strand, the reverse complement: EPG5 is on the minus strand); the first of 5 consecutive G bases (chr18:45,967,162-45,967,166); deleting any one gives the same sequence. VCF-style (leftmost placement, unchanged base first): chr18-45967161-TG-T. GRCh37 (hg19) VCF-style: chr18-43547127-TG-T.
Identifiers: ClinVar variation 1170165 (VCV001170165.15), dbSNP rs11301517, ClinGen allele CA8950025.
Genomic context (GRCh38, chr18:45,967,161, plus strand): 5'-GCTGGGGAGGCCGAAGAGAGGAGCAAGGAGACACAGCACACTGCCAGAGCCTCGGGAGGG[TG>T]GGGGAGATCCTCACCTTTGTTTTAGTCCGGCTGGCCTTGGCCTTGGCCCGGCGCTGGGGC-3'